The following is an entry in ClinVar:

NM_018646.6(TRPV6):c.1516A>T (p.Met506Leu)

Gene: TRPV6 (transient receptor potential cation channel subfamily V member 6; minus strand). Cytogenetic location: 7q34.
Variant type: single nucleotide variant.
Coding change: c.1516A>T on transcript NM_018646.6 (MANE Select); coding-DNA position 1516, A replaced by T.
Protein change: p.Met506Leu; replaces methionine 506 with leucine.
Molecular consequence: missense variant.
Genome position (GRCh38, 1-based): chr7:142,874,547, T>A on the plus strand (A>T on the coding strand, the complement: TRPV6 is on the minus strand). VCF-style: chr7-142874547-T-A. GRCh37 (hg19) VCF-style: chr7-142572300-T-A.
Other names: short protein forms M506L.
Identifiers: ClinVar variation 4770354 (VCV004770354.1).

ClinVar aggregate classification (germline): Uncertain significance (1 of 4 stars; one submission).

gnomAD v4.1: 1 of 1,613,916 alleles (0.000062%); highest among the groups gnomAD compares: African/African-American, 0.0013%; no homozygotes.

Submission:

Labcorp Genetics (formerly Invitae), Labcorp
Classification: Uncertain significance. Last evaluated: 2025-11-05. Review status: criteria provided, single submitter. Criteria: Invitae Variant Classification Sherloc (09022015). Collection method: clinical testing. Allele origin: germline.
Comment: This sequence change replaces methionine, which is neutral and non-polar, with leucine, which is neutral and non-polar, at codon 506 of the TRPV6 protein (p.Met506Leu). This variant is not present in population databases (gnomAD no frequency). This variant has not been reported in the literature in individuals affected with TRPV6-related conditions. Experimental studies and prediction algorithms are not available or were not evaluated, and the functional significance of this variant is currently unknown. In summary, the available evidence is currently insufficient to determine the role of this variant in disease. Therefore, it has been classified as a Variant of Uncertain Significance.